The following is an entry in ClinVar:

ClinVar aggregate classification (germline): Likely pathogenic (1 of 4 stars; one submission).

Conditions:
TBCD-related disorder. Also called: TBCD-related condition.

Submission:

PreventionGenetics, part of Exact Sciences
Classification: Likely pathogenic for TBCD-related condition. Last evaluated: 2025-01-31. Review status: criteria provided, single submitter. Criteria: ACMG Guidelines, 2015. Collection method: clinical testing. Allele origin: germline.
Comment: The TBCD c.3269C>A variant is predicted to result in premature protein termination (p.Ser1090*). To our knowledge, this variant has not been reported in the literature or in a large population database (gnomAD), indicating this variant is rare. Nonsense variants in TBCD are expected to be pathogenic. This variant is interpreted as likely pathogenic.

NM_005993.5(TBCD):c.3269C>A (p.Ser1090Ter)

Gene: TBCD (tubulin folding cofactor D). Cytogenetic location: 17q25.3.
Variant type: single nucleotide variant.
Coding change: c.3269C>A on transcript NM_005993.5 (MANE Select); coding-DNA position 3269, C replaced by A.
Protein change: p.Ser1090Ter; replaces serine 1090 with a stop codon.
Molecular consequence: nonsense.
Genome position (GRCh38, 1-based): chr17:82,937,348, C>A. VCF-style: chr17-82937348-C-A. GRCh37 (hg19) VCF-style: chr17-80895224-C-A.
Other names: c.3218C>A, p.Ser1073Ter (NM_001411101.1); c.3188C>A, p.Ser1063Ter (NM_001411102.1); c.2912C>A, p.Ser971Ter (NM_001437989.1); c.3080C>A, p.Ser1027Ter (NM_001438250.1); short protein forms S1073*, S1090*, S971*, S1027*, S1063*.
Identifiers: ClinVar variation 5002087 (VCV005002087.1).